The following is an entry in ClinVar:

ClinVar aggregate classification (germline): Uncertain significance (1 of 4 stars; one submission).

Conditions:
Tay-Sachs disease (TSD). Also called: GM2 gangliosidosis, type 1; Hexosaminidase alpha-subunit deficiency (variant B); Sphingolipidosis, Tay-Sachs; HEXA DEFICIENCY; Hexosaminidase A Deficiency; HEXA Disorders. Identifiers: Orphanet 845, MedGen C0039373, MONDO:0010100, OMIM 272800.

Allele frequency attached by ClinVar (database versions not stated): gnomAD exomes below 0.00001; TOPMed below 0.00001; ExAC 0.00002.
gnomAD v4.1: 5 of 1,595,034 alleles (0.00031%); highest among the groups gnomAD compares: Non-Finnish European, 0.00043%; no homozygotes.

Submission:

Labcorp Genetics (formerly Invitae), Labcorp
Classification: Uncertain significance for Tay-Sachs disease. Last evaluated: 2022-05-05. Review status: criteria provided, single submitter. Criteria: Invitae Variant Classification Sherloc (09022015). Collection method: clinical testing. Allele origin: germline.
Comment: This sequence change replaces arginine, which is basic and polar, with lysine, which is basic and polar, at codon 223 of the HEXA protein (p.Arg223Lys). This variant is present in population databases (rs749422284, gnomAD 0.003%). This variant has not been reported in the literature in individuals affected with HEXA-related conditions. Algorithms developed to predict the effect of missense changes on protein structure and function output the following: SIFT: "Tolerated"; PolyPhen-2: "Benign"; Align-GVGD: "Class C0". The lysine amino acid residue is found in multiple mammalian species, which suggests that this missense change does not adversely affect protein function. In summary, the available evidence is currently insufficient to determine the role of this variant in disease. Therefore, it has been classified as a Variant of Uncertain Significance.

NM_000520.6(HEXA):c.668G>A (p.Arg223Lys)

Gene: HEXA (hexosaminidase subunit alpha; minus strand). Cytogenetic location: 15q23.
Variant type: single nucleotide variant.
Coding change: c.668G>A on transcript NM_000520.6 (MANE Select); coding-DNA position 668, G replaced by A.
Protein change: p.Arg223Lys; replaces arginine 223 with lysine.
Molecular consequence: missense variant. On other transcripts: non-coding transcript variant (1).
Genome position (GRCh38, 1-based): chr15:72,351,137, C>T on the plus strand (G>A on the coding strand, the complement: HEXA is on the minus strand). VCF-style: chr15-72351137-C-T. GRCh37 (hg19) VCF-style: chr15-72643478-C-T.
Other names: c.701G>A, p.Arg234Lys (NM_001318825.2); short protein forms R223K, R234K.
Identifiers: ClinVar variation 2202531 (VCV002202531.1), dbSNP rs749422284, ClinGen allele CA7644934.